The following is an entry in ClinVar:

NM_000539.3(RHO):c.1033G>C (p.Val345Leu)

Gene: RHO (rhodopsin; plus strand). Cytogenetic location: 3q22.1.
Variant type: single nucleotide variant.
Coding change: c.1033G>C on transcript NM_000539.3 (MANE Select); coding-DNA position 1033, G replaced by C.
Protein change: p.Val345Leu; replaces valine 345 with leucine.
Molecular consequence: missense variant.
Genome position (GRCh38, 1-based): chr3:129,533,704, G>C. VCF-style: chr3-129533704-G-C. GRCh37 (hg19) VCF-style: chr3-129252547-G-C.
Other names: short protein forms V345L.
Identifiers: ClinVar variation 13052 (VCV000013052.8), dbSNP rs104893795, ClinGen allele CA256693.
Genomic context (GRCh38, chr3:129,533,704, plus strand): 5'-AAGAACCCACTGGGTGACGATGAGGCCTCTGCTACCGTGTCCAAGACGGAGACGAGCCAG[G>C]TGGCCCCGGCCTAAGACCTGCCTAGGACTCTGTGGCCGACTATAGGCGTCTCCCATCCCC-3'
Protein context (NP_000530.1, residues 335-348): ATVSKTETSQ[Val345Leu]APA

ClinVar aggregate classification (germline): Pathogenic. Review status: criteria provided, single submitter (1 of 4 stars). 2 submissions from 2 submitters: Pathogenic (1). 1 of the submissions does not count toward it. Last evaluated 2025-02-17.

Conditions:
Retinitis pigmentosa 4 (RP4). Also called: RETINITIS PIGMENTOSA, RHODOPSIN-RELATED. Identifiers: Orphanet 791, MedGen C3151001, MONDO:0013395, OMIM 613731.

Allele frequency attached by ClinVar (database versions not stated): gnomAD exomes below 0.00001.
gnomAD v4.1: 1 of 1,613,718 alleles (0.000062%); highest among the groups gnomAD compares: Non-Finnish European, 0.000085%; no homozygotes.

Submissions (2):

Labcorp Genetics (formerly Invitae), Labcorp
Classification: Pathogenic. Last evaluated: 2025-02-17. Review status: criteria provided, single submitter. Criteria: Invitae Variant Classification Sherloc (09022015). Collection method: clinical testing. Allele origin: germline.
Comment: This sequence change replaces valine, which is neutral and non-polar, with leucine, which is neutral and non-polar, at codon 345 of the RHO protein (p.Val345Leu). This variant is not present in population databases (gnomAD no frequency). This missense change has been observed in individual(s) with autosomal dominant retinitis pigmentosa (PMID: 8045708, 8088850). It has also been observed to segregate with disease in related individuals. ClinVar contains an entry for this variant (Variation ID: 13052). Invitae Evidence Modeling of protein sequence and biophysical properties (such as structural, functional, and spatial information, amino acid conservation, physicochemical variation, residue mobility, and thermodynamic stability) has been performed for this missense variant. However, the output from this modeling did not meet the statistical confidence thresholds required to predict the impact of this variant on RHO protein function. For these reasons, this variant has been classified as Pathogenic.

OMIM
Classification: Pathogenic for RETINITIS PIGMENTOSA 4. Last evaluated: 1994-05-15. Review status: no assertion criteria provided. Collection method: literature only. Allele origin: germline. Not counted in ClinVar's aggregate classification.

Literature cited by the submitters: PubMed 8045708 (cited by Labcorp Genetics (formerly Invitae), Labcorp); PubMed 8088850 (cited by Labcorp Genetics (formerly Invitae), Labcorp and OMIM).